The following is an entry in ClinVar:

NM_178013.4(PRIMA1):c.239C>G (p.Ser80Cys)

Gene: PRIMA1 (proline rich membrane anchor 1; minus strand). Cytogenetic location: 14q32.12.
Variant type: single nucleotide variant.
Coding change: c.239C>G on transcript NM_178013.4 (MANE Select); coding-DNA position 239, C replaced by G.
Protein change: p.Ser80Cys; replaces serine 80 with cysteine.
Molecular consequence: missense variant.
Genome position (GRCh38, 1-based): chr14:93,737,361, G>C on the plus strand (C>G on the coding strand, the complement: PRIMA1 is on the minus strand). VCF-style: chr14-93737361-G-C. GRCh37 (hg19) VCF-style: chr14-94203707-G-C.
Other names: short protein forms S80C.
Identifiers: ClinVar variation 2109230 (VCV002109230.4), dbSNP rs2550261600, ClinGen allele CA390821395.

ClinVar aggregate classification (germline): Uncertain significance (1 of 4 stars; one submission).

Conditions:
Familial sleep-related hypermotor epilepsy. Also called: Autosomal Dominant Sleep-Related Hypermotor (Hyperkinetic) Epilepsy. Identifiers: Orphanet 98784, MedGen C3696898, MONDO:0000030.

Allele frequency attached by ClinVar (database versions not stated): gnomAD exomes below 0.00001.
gnomAD v4.1: 1 of 1,614,032 alleles (0.000062%); highest among the groups gnomAD compares: Non-Finnish European, 0.000085%; no homozygotes.

Submission:

Labcorp Genetics (formerly Invitae), Labcorp
Classification: Uncertain significance for Familial sleep-related hypermotor epilepsy. Last evaluated: 2022-03-11. Review status: criteria provided, single submitter. Criteria: Invitae Variant Classification Sherloc (09022015). Collection method: clinical testing. Allele origin: germline.
Comment: In summary, the available evidence is currently insufficient to determine the role of this variant in disease. Therefore, it has been classified as a Variant of Uncertain Significance. Algorithms developed to predict the effect of missense changes on protein structure and function are either unavailable or do not agree on the potential impact of this missense change (SIFT: "Deleterious"; PolyPhen-2: "Possibly Damaging"; Align-GVGD: "Class C0"). This variant has not been reported in the literature in individuals affected with PRIMA1-related conditions. This variant is not present in population databases (gnomAD no frequency). This sequence change replaces serine, which is neutral and polar, with cysteine, which is neutral and slightly polar, at codon 80 of the PRIMA1 protein (p.Ser80Cys).